The following is an entry in ClinVar:

NM_001009944.3(PKD1):c.6130A>G (p.Asn2044Asp)

Gene: PKD1 (polycystin 1, transient receptor potential channel interacting; minus strand). Cytogenetic location: 16p13.3.
Variant type: single nucleotide variant.
Coding change: c.6130A>G on transcript NM_001009944.3 (MANE Select); coding-DNA position 6130, A replaced by G.
Protein change: p.Asn2044Asp; replaces asparagine 2044 with aspartic acid.
Molecular consequence: missense variant.
Genome position (GRCh38, 1-based): chr16:2,109,037, T>C on the plus strand (A>G on the coding strand, the complement: PKD1 is on the minus strand). VCF-style: chr16-2109037-T-C. GRCh37 (hg19) VCF-style: chr16-2159038-T-C.
Other names: c.6130A>G, p.Asn2044Asp (NM_000296.4); short protein forms N2044D.
Identifiers: ClinVar variation 1710426 (VCV001710426.4), dbSNP rs2544805632, ClinGen allele CA394374283.

ClinVar aggregate classification (germline): Uncertain significance. Review status: criteria provided, multiple submitters, no conflicts (2 of 4 stars). 2 submissions from 2 submitters: Uncertain significance (2). Last evaluated 2023-01-24.

Conditions:
PKD1-related disorder. Also called: PKD1-related condition.

Submissions (2):

PreventionGenetics, part of Exact Sciences
Classification: Uncertain significance for PKD1-related condition. Last evaluated: 2023-01-24. Review status: criteria provided, single submitter. Criteria: ACMG Guidelines, 2015. Collection method: clinical testing. Allele origin: germline.
Comment: The PKD1 c.6130A>G variant is predicted to result in the amino acid substitution p.Asn2044Asp. This variant was reported in an individual with polycystic kidney disease (Obeidová et al. 2014. PubMed ID: 24694054). Family testing identified six affected relatives and four healthy relatives carried the variant (Obeidová et al. 2014. PubMed ID: 24694054).This variant has not been reported in a large population database, indicating this variant is rare. Although we suspect that this variant may be pathogenic, at this time, the clinical significance of this variant is uncertain due to the absence of conclusive functional and genetic evidence.

Greenwood Genetic Center Diagnostic Laboratories, Greenwood Genetic Center
Classification: Uncertain significance. Last evaluated: 2022-07-06. Review status: criteria provided, single submitter. Criteria: ACMG Guidelines, 2015. Collection method: clinical testing. Allele origin: germline. Affected: yes.
Comment: PS4_Supporting, PM2, PP1, PP3